The following is an entry in ClinVar:

ClinVar aggregate classification (germline): Likely benign (1 of 4 stars; one submission).

Allele frequency attached by ClinVar (database versions not stated): gnomAD exomes 0.00003; gnomAD 0.00001; TOPMed 0.00001.
gnomAD v4.1: 36 of 1,567,394 alleles (0.0023%); highest among the groups gnomAD compares: Non-Finnish European, 0.0031%; no homozygotes.

Submission:

CeGaT Center for Human Genetics Tuebingen
Classification: Likely benign. Last evaluated: 2022-12-01. Review status: criteria provided, single submitter. Criteria: CeGaT Center For Human Genetics Tuebingen Variant Classification Criteria Version 2. Collection method: clinical testing. Allele origin: germline. Affected: yes. Observed: 1 variant allele.
Comment: ROBO2: BP4, BP7

NM_001128929.3(ROBO2):c.75G>A (p.Val25=)

Gene: ROBO2 (roundabout guidance receptor 2; plus strand). Cytogenetic location: 3p12.3.
Variant type: single nucleotide variant.
Coding change: c.75G>A on transcript NM_001128929.3; coding-DNA position 75, G replaced by A.
Protein change: p.Val25=; no amino-acid change (valine 25 retained).
Molecular consequence: synonymous variant.
Genome position (GRCh38, 1-based): chr3:75,937,568, G>A. VCF-style: chr3-75937568-G-A. GRCh37 (hg19) VCF-style: chr3-75986719-G-A.
Other names: c.75G>A, p.Val25= (NM_001378190.1, NM_001378191.1, NM_001378195.1 and 4 more transcripts).
Identifiers: ClinVar variation 2653976 (VCV002653976.22), dbSNP rs62269818, ClinGen allele CA77722770.